The following is an entry in ClinVar:

ClinVar aggregate classification (germline): Benign/Likely benign. Review status: criteria provided, multiple submitters, no conflicts (2 of 4 stars). 6 submissions from 6 submitters: Benign (1); Likely benign (4). 1 of the submissions does not count toward it. Last evaluated 2026-01-07.

Conditions:
Renal cell carcinoma. Identifiers: Orphanet 217071, MedGen C0007134, MeSH D002292, MONDO:0005086, HP:0005584.
MET-related disorder. Also called: MET-related condition.
Hereditary cancer-predisposing syndrome. Also called: Tumor predisposition; Neoplastic Syndromes, Hereditary; Hereditary Cancer Syndrome; Hereditary neoplastic syndrome. Identifiers: Orphanet 140162, MedGen C0027672, MeSH D009386, MONDO:0015356.
Papillary renal cell carcinoma type 1 (RCCP1). Also called: Renal adenocarcinoma; Renal cell carcinoma 1; Renal cell carcinoma, somatic; RENAL CELL CARCINOMA, PAPILLARY, 1, SOMATIC. Identifiers: Orphanet 47044, MedGen C1336839, OMIM 605074, HP:0011797.

Allele frequency attached by ClinVar (database versions not stated): TOPMed 0.00001; 1000 Genomes Project 30x 0.00016.
gnomAD v4.1: 13 of 1,613,592 alleles (0.00081%); highest among the groups gnomAD compares: Admixed American, 0.005%; no homozygotes.

Submissions (6):

Labcorp Genetics (formerly Invitae), Labcorp
Classification: Likely benign for Renal cell carcinoma. Last evaluated: 2026-01-07. Review status: criteria provided, single submitter. Criteria: Invitae Variant Classification Sherloc (09022015). Collection method: clinical testing. Allele origin: germline.

Center for Genomic Medicine, Rigshospitalet, Copenhagen University Hospital
Classification: Likely benign. Last evaluated: 2025-03-04. Review status: criteria provided, single submitter. Criteria: ACMG Guidelines, 2015. Collection method: clinical testing. Allele origin: germline.

Myriad Genetics, Inc.
Classification: Benign for Papillary renal cell carcinoma type 1. Last evaluated: 2024-11-08. Review status: criteria provided, single submitter. Criteria: Myriad Autosomal Dominant, Autosomal Recessive and X-Linked Classification Criteria (2023). Collection method: clinical testing. Allele origin: unknown.
Comment: This variant is considered benign. This variant is a silent/synonymous amino acid change and it is not expected to impact splicing.

Blueprint Genetics
Classification: Likely benign. Last evaluated: 2024-08-08. Review status: criteria provided, single submitter. Criteria: ACMG Guidelines, 2015. Collection method: clinical testing. Allele origin: germline.

Ambry Genetics
Classification: Likely benign for Hereditary cancer-predisposing syndrome. Last evaluated: 2020-10-27. Review status: criteria provided, single submitter. Criteria: Ambry Variant Classification Scheme 2023. Collection method: clinical testing. Allele origin: germline.

PreventionGenetics, part of Exact Sciences
Classification: Likely benign for MET-related condition. Last evaluated: 2024-08-07. Review status: no assertion criteria provided. Collection method: clinical testing. Allele origin: germline. Not counted in ClinVar's aggregate classification.
Comment: This variant is classified as likely benign based on ACMG/AMP sequence variant interpretation guidelines (Richards et al. 2015 PMID: 25741868, with internal and published modifications).

NM_000245.4(MET):c.1896G>A (p.Lys632=)

Gene: MET (MET proto-oncogene, receptor tyrosine kinase; plus strand). Cytogenetic location: 7q31.2.
Variant type: single nucleotide variant.
Coding change: c.1896G>A on transcript NM_000245.4 (MANE Select); coding-DNA position 1896, G replaced by A.
Protein change: p.Lys632=; no amino-acid change (lysine 632 retained).
Molecular consequence: synonymous variant.
Genome position (GRCh38, 1-based): chr7:116,757,470, G>A. VCF-style: chr7-116757470-G-A. GRCh37 (hg19) VCF-style: chr7-116397524-G-A.
Other names: c.1896G>A, p.Lys632= (NM_001127500.3, NM_001324401.3); c.606G>A, p.Lys202= (NM_001324402.2); c.1896G>A (NM_001127500.2).
Identifiers: ClinVar variation 219986 (VCV000219986.18), dbSNP rs749484691, ClinGen allele CA350382.